The following is an entry in ClinVar:

ClinVar aggregate classification (germline): Uncertain significance (1 of 4 stars; one submission).

Submission:

Labcorp Genetics (formerly Invitae), Labcorp
Classification: Uncertain significance. Last evaluated: 2022-02-09. Review status: criteria provided, single submitter. Criteria: Invitae Variant Classification Sherloc (09022015). Collection method: clinical testing. Allele origin: germline.
Comment: This variant is not present in population databases (gnomAD no frequency). This variant has not been reported in the literature in individuals affected with DTHD1-related conditions. ClinVar contains an entry for this variant (Variation ID: 845770). Algorithms developed to predict the effect of missense changes on protein structure and function (SIFT, PolyPhen-2, Align-GVGD) all suggest that this variant is likely to be disruptive. In summary, the available evidence is currently insufficient to determine the role of this variant in disease. Therefore, it has been classified as a Variant of Uncertain Significance. This sequence change replaces glutamic acid, which is acidic and polar, with aspartic acid, which is acidic and polar, at codon 139 of the DTHD1 protein (p.Glu139Asp).

NM_001170700.3(DTHD1):c.1287G>C (p.Glu429Asp)

Gene: DTHD1 (death domain containing 1; plus strand). Cytogenetic location: 4p14.
Variant type: single nucleotide variant.
Coding change: c.1287G>C on transcript NM_001170700.3 (MANE Select); coding-DNA position 1287, G replaced by C.
Protein change: p.Glu429Asp; replaces glutamic acid 429 with aspartic acid.
Molecular consequence: missense variant. On other transcripts: non-coding transcript variant (2).
Genome position (GRCh38, 1-based): chr4:36,293,594, G>C. VCF-style: chr4-36293594-G-C. GRCh37 (hg19) VCF-style: chr4-36295216-G-C.
Other names: c.417G>C, p.Glu139Asp (NM_001136536.5); c.354G>C, p.Glu118Asp (NM_001378435.1); short protein forms E429D, E139D, E118D.
Identifiers: ClinVar variation 845770 (VCV000845770.9), dbSNP rs1756211532, ClinGen allele CA356679471.